The following is an entry in ClinVar:

NM_020203.6(MEPE):c.1153G>A (p.Glu385Lys)

Genes: MEPE (matrix extracellular phosphoglycoprotein; plus strand), MEPE-AS1 (MEPE and IBSP antisense RNA 1; minus strand). Cytogenetic location: 4q22.1.
Variant type: single nucleotide variant.
Coding change: c.1153G>A on transcript NM_020203.6 (MANE Select); coding-DNA position 1153, G replaced by A.
Protein change: p.Glu385Lys; replaces glutamic acid 385 with lysine.
Molecular consequence: missense variant.
Genome position (GRCh38, 1-based): chr4:87,846,021, G>A. VCF-style: chr4-87846021-G-A. GRCh37 (hg19) VCF-style: chr4-88767173-G-A.
Other names: c.1246G>A (NM_001291183.1); c.1153G>A, p.Glu385Lys (NM_001184694.3); c.814G>A, p.Glu272Lys (NM_001184695.4, NM_001184696.2, NM_001184697.2); c.1246G>A, p.Glu416Lys (NM_001291183.2); short protein forms E385K, E272K, E416K.
Identifiers: ClinVar variation 2370053 (VCV002370053.4), dbSNP rs139465355, ClinGen allele CA3002795.

ClinVar aggregate classification (germline): Uncertain significance. Review status: criteria provided, multiple submitters, no conflicts (2 of 4 stars). 2 submissions from 2 submitters: Uncertain significance (2). Last evaluated 2025-07-01.

Conditions:
MEPE-related disorder. Also called: MEPE-related condition.

Allele frequency attached by ClinVar (database versions not stated): ExAC 0.00004; gnomAD exomes 0.00004; gnomAD 0.00006; ESP Exome Variant Server 0.00008; TOPMed 0.00014; 1000 Genomes Project 30x 0.00016; 1000 Genomes Project 0.00020.
gnomAD v4.1: 79 of 1,613,994 alleles (0.0049%); highest among the groups gnomAD compares: Middle Eastern, 0.016%; no homozygotes.

Submissions (2):

PreventionGenetics, part of Exact Sciences
Classification: Uncertain significance for MEPE-related condition. Last evaluated: 2025-07-01. Review status: criteria provided, single submitter. Criteria: ACMG Guidelines, 2015. Collection method: clinical testing. Allele origin: germline.
Comment: The MEPE c.1246G>A variant is predicted to result in the amino acid substitution p.Glu416Lys. To our knowledge, this variant has not been reported in the literature. This variant is reported in 0.011% of alleles in individuals of European (Non-Finnish) descent in gnomAD. At this time, the clinical significance of this variant is uncertain due to the absence of conclusive functional and genetic evidence.

Ambry Genetics
Classification: Uncertain significance. Last evaluated: 2024-08-05. Review status: criteria provided, single submitter. Criteria: Ambry Variant Classification Scheme 2023. Collection method: clinical testing. Allele origin: germline.